The following is an entry in ClinVar:

ClinVar aggregate classification (germline): Uncertain significance (1 of 4 stars; one submission).

Conditions:
Mandibular hypoplasia-deafness-progeroid syndrome. Also called: Mandibular hypoplasia, deafness, progeroid features, and lipodystrophy syndrome. Identifiers: Orphanet 363649, MedGen C3715192, MONDO:0014157, OMIM 615381.

Submission:

Victorian Clinical Genetics Services, Murdoch Childrens Research Institute
Classification: Uncertain significance for Mandibular hypoplasia-deafness-progeroid syndrome. Last evaluated: 2025-04-09. Review status: criteria provided, single submitter. Criteria: ACMG Guidelines, 2015. Collection method: clinical testing. Allele origin: germline. Affected: no.
Comment: This variant is classified as VUS-3B. Evidence in support of pathogenic classification: Variant is absent from gnomAD (v2, v3 and v4); Evidence in support of benign classification: Missense variant predicted to be tolerated by in silico tool(s) or not conserved in placental mammals with a minor amino acid change. Additional information: Variant is predicted to result in a missense amino acid change from phenylalanine to tyrosine; This variant is heterozygous; This gene is associated with both recessive and dominant disease. Monoallelic variants are associated with mandibular hypoplasia, deafness, progeroid features, and lipodystrophy syndrome (MIM#15381), while biallelic variants are associated with immunodeficiency 120 (MIM#620836); Alternative amino acid change(s) at the same position are present in gnomAD (highest allele count: v4: 22 heterozygote(s), 0 homozygote(s)); This variant has no previous evidence of pathogenicity; No published segregation evidence has been identified for this variant; No published functional evidence has been identified for this variant; Another missense variant(s) comparable to the one identified in this case has inconclusive previous evidence for pathogenicity. Two nucleotide changes resulting in the same amino acid change p.(Pro799Leu) have been classified as VUS by multiple clinical laboratories in ClinVar; Variant is located in the annotated DNA polymerase family B domain (DECIPHER); Loss of function is a known mechanism of disease in this gene and is associated with mandibular hypoplasia, deafness, progeroid features, and lipodystrophy syndrome (MDPL; MIM#15381) and immunodeficiency 120 (MIM#620836). It is the suspected mechanism of susceptibility to colorectal cancer 10 (MIM#612591). Variants causing MDPL have retained exonuclease activity (PMID: 30023403, 31750734).

Literature cited by the submitters: PubMed 30023403; PubMed 31750734.

NM_002691.4(POLD1):c.2396T>A (p.Phe799Tyr)

Gene: POLD1 (DNA polymerase delta 1, catalytic subunit; plus strand). Cytogenetic location: 19q13.33.
Variant type: single nucleotide variant.
Coding change: c.2396T>A on transcript NM_002691.4 (MANE Select); coding-DNA position 2396, T replaced by A.
Protein change: p.Phe799Tyr; replaces phenylalanine 799 with tyrosine.
Molecular consequence: missense variant. On other transcripts: non-coding transcript variant (1).
Genome position (GRCh38, 1-based): chr19:50,414,822, T>A. VCF-style: chr19-50414822-T-A. GRCh37 (hg19) VCF-style: chr19-50918079-T-A.
Other names: c.2396T>A, p.Phe799Tyr (NM_001256849.1, NM_001438212.1, NM_001438213.1); c.2474T>A, p.Phe825Tyr (NM_001308632.1); c.2324T>A, p.Phe775Tyr (NM_001438210.1, NM_001438211.1); short protein forms F775Y, F799Y, F825Y.
Identifiers: ClinVar variation 4531736 (VCV004531736.1).